The following is an entry in ClinVar:

ClinVar aggregate classification (germline): Uncertain significance. Review status: criteria provided, multiple submitters, no conflicts (2 of 4 stars). 2 submissions from 2 submitters: Uncertain significance (2). Last evaluated 2024-01-02.

Allele frequency attached by ClinVar (database versions not stated): gnomAD exomes 0.00002; gnomAD 0.00003; TOPMed 0.00003; ExAC 0.00004; ESP Exome Variant Server 0.00008.
gnomAD v4.1: 30 of 1,613,966 alleles (0.0019%); highest among the groups gnomAD compares: Admixed American, 0.005%; no homozygotes.

Submissions (2):

Labcorp Genetics (formerly Invitae), Labcorp
Classification: Uncertain significance. Last evaluated: 2024-01-02. Review status: criteria provided, single submitter. Criteria: Invitae Variant Classification Sherloc (09022015). Collection method: clinical testing. Allele origin: germline.
Comment: This sequence change replaces arginine, which is basic and polar, with glutamine, which is neutral and polar, at codon 318 of the TUBB1 protein (p.Arg318Gln). This variant is present in population databases (rs370105172, gnomAD 0.006%). This variant has not been reported in the literature in individuals affected with TUBB1-related conditions. Advanced modeling of protein sequence and biophysical properties (such as structural, functional, and spatial information, amino acid conservation, physicochemical variation, residue mobility, and thermodynamic stability) performed at Invitae indicates that this missense variant is expected to disrupt TUBB1 protein function with a positive predictive value of 80%. This variant disrupts the p.Arg318 amino acid residue in TUBB1. Other variant(s) that disrupt this residue have been determined to be pathogenic (PMID: 18849486, 33400601). This suggests that this residue is clinically significant, and that variants that disrupt this residue are likely to be disease-causing. In summary, the available evidence is currently insufficient to determine the role of this variant in disease. Therefore, it has been classified as a Variant of Uncertain Significance.

Blueprint Genetics
Classification: Uncertain significance. Last evaluated: 2020-01-23. Review status: criteria provided, single submitter. Criteria: ACMG Guidelines, 2015. Collection method: clinical testing. Allele origin: germline.

Literature cited by the submitters: PubMed 18849486 (cited by Labcorp Genetics (formerly Invitae), Labcorp); PubMed 33400601 (cited by Labcorp Genetics (formerly Invitae), Labcorp).

NM_030773.4(TUBB1):c.953G>A (p.Arg318Gln)

Gene: TUBB1 (tubulin beta 1 class VI; plus strand). Cytogenetic location: 20q13.32.
Variant type: single nucleotide variant.
Coding change: c.953G>A on transcript NM_030773.4 (MANE Select); coding-DNA position 953, G replaced by A.
Protein change: p.Arg318Gln; replaces arginine 318 with glutamine.
Molecular consequence: missense variant.
Genome position (GRCh38, 1-based): chr20:59,024,380, G>A. VCF-style: chr20-59024380-G-A. GRCh37 (hg19) VCF-style: chr20-57599435-G-A.
Other names: short protein forms R318Q.
Identifiers: ClinVar variation 2868000 (VCV002868000.4), dbSNP rs370105172, ClinGen allele CA9928626.
Genomic context (GRCh38, chr20:59,024,380, plus strand): 5'-ATACCATGGCTGCCTGTGACCTCCGCCGTGGCCGCTACCTCACAGTGGCCTGCATTTTCC[G>A]GGGCAAGATGTCCACCAAGGAAGTGGACCAGCAACTGCTCTCCGTGCAGACCAGGAACAG-3'
Protein context (NP_110400.1, residues 308-328): GRYLTVACIF[Arg318Gln]GKMSTKEVDQ